The following is an entry in ClinVar:

NM_006329.4(FBLN5):c.1222C>T (p.Arg408Cys)

Gene: FBLN5 (fibulin 5; minus strand). Cytogenetic location: 14q32.12.
Variant type: single nucleotide variant.
Coding change: c.1222C>T on transcript NM_006329.4 (MANE Select); coding-DNA position 1222, C replaced by T.
Protein change: p.Arg408Cys; replaces arginine 408 with cysteine.
Molecular consequence: missense variant. On other transcripts: 3 prime UTR variant (2).
Genome position (GRCh38, 1-based): chr14:91,870,349, G>A on the plus strand (C>T on the coding strand, the complement: FBLN5 is on the minus strand). VCF-style: chr14-91870349-G-A. GRCh37 (hg19) VCF-style: chr14-92336693-G-A.
Other names: c.1345C>T, p.Arg449Cys (NM_001384158.1); c.1273C>T, p.Arg425Cys (NM_001384159.1); c.*6C>T (NM_001384160.1, NM_001384161.1); c.1054C>T, p.Arg352Cys (NM_001384162.1); short protein forms R352C, R408C, R425C, R449C.
Identifiers: ClinVar variation 1948568 (VCV001948568.5), dbSNP rs1263613886, ClinGen allele CA390639422.
Genomic context (GRCh38, chr14:91,870,349, plus strand): 5'-CAGTGTTGACAGTGATCATTTCCAAGTCCAGCTGGATTTCCCGGGGCCCTTTGATGGGGC[G>A]TGTCATCACCAGGGTGGCACTGATGGGGCCCGTTTGCTATGGACAGAACCGGGGAACACC-3'
Protein context (NP_006320.2, residues 398-418): GPISATLVMT[Arg408Cys]PIKGPREIQL

ClinVar aggregate classification (germline): Uncertain significance (1 of 4 stars; one submission).

Allele frequency attached by ClinVar (database versions not stated): gnomAD exomes below 0.00001; TOPMed below 0.00001.

Submission:

Labcorp Genetics (formerly Invitae), Labcorp
Classification: Uncertain significance. Last evaluated: 2023-10-20. Review status: criteria provided, single submitter. Criteria: Invitae Variant Classification Sherloc (09022015). Collection method: clinical testing. Allele origin: germline.
Comment: This sequence change replaces arginine, which is basic and polar, with cysteine, which is neutral and slightly polar, at codon 408 of the FBLN5 protein (p.Arg408Cys). This variant is present in population databases (no rsID available, gnomAD 0.003%). This variant has not been reported in the literature in individuals affected with FBLN5-related conditions. ClinVar contains an entry for this variant (Variation ID: 1948568). Advanced modeling of protein sequence and biophysical properties (such as structural, functional, and spatial information, amino acid conservation, physicochemical variation, residue mobility, and thermodynamic stability) performed at Invitae indicates that this missense variant is not expected to disrupt FBLN5 protein function. In summary, the available evidence is currently insufficient to determine the role of this variant in disease. Therefore, it has been classified as a Variant of Uncertain Significance.